The following is an entry in ClinVar:

ClinVar aggregate classification (germline): Uncertain significance. Review status: criteria provided, multiple submitters, no conflicts (2 of 4 stars). 2 submissions from 2 submitters: Uncertain significance (2). Last evaluated 2025-02-19.

Conditions:
Charcot-Marie-Tooth disease axonal type 2O. Also called: CHARCOT-MARIE-TOOTH NEUROPATHY, AXONAL, TYPE 2O; CHARCOT-MARIE-TOOTH DISEASE, AXONAL, AUTOSOMAL DOMINANT, TYPE 2O; Charcot-Marie-Tooth disease, axonal, type 20; Charcot-Marie-Tooth Neuropathy Type 2O. Identifiers: Orphanet 284232, MedGen C3280220, MONDO:0013644, OMIM 614228.

Submissions (2):

Labcorp Genetics (formerly Invitae), Labcorp
Classification: Uncertain significance for Charcot-Marie-Tooth disease axonal type 2O. Last evaluated: 2025-02-19. Review status: criteria provided, single submitter. Criteria: Invitae Variant Classification Sherloc (09022015). Collection method: clinical testing. Allele origin: germline.
Comment: This sequence change replaces threonine, which is neutral and polar, with alanine, which is neutral and non-polar, at codon 719 of the DYNC1H1 protein (p.Thr719Ala). This variant is not present in population databases (gnomAD no frequency). This variant has not been reported in the literature in individuals affected with DYNC1H1-related conditions. ClinVar contains an entry for this variant (Variation ID: 424232). Invitae Evidence Modeling of protein sequence and biophysical properties (such as structural, functional, and spatial information, amino acid conservation, physicochemical variation, residue mobility, and thermodynamic stability) indicates that this missense variant is not expected to disrupt DYNC1H1 protein function with a negative predictive value of 95%. In summary, the available evidence is currently insufficient to determine the role of this variant in disease. Therefore, it has been classified as a Variant of Uncertain Significance.

GeneDx
Classification: Uncertain significance. Last evaluated: 2017-09-28. Review status: criteria provided, single submitter. Criteria: GeneDx Variant Classification (06012015). Collection method: clinical testing. Allele origin: germline. Affected: yes.
Comment: A variant of uncertain significance has been identified in the DYNC1H1 gene. The T719A variant has not been published as a pathogenic variant, nor has it been reported as a benign variant to our knowledge. The T719A variant is not observed in large population cohorts (Lek et al., 2016; 1000 Genomes Consortium et al., 2015; Exome Variant Server). The T719A variant is a non-conservative amino acid substitution, which is likely to impact secondary protein structure as these residues differ in polarity, charge, size and/or other properties. This substitution occurs at a position that is conserved across species; however, Alanine is observed at this position in evolution. Missense variants in nearby residues have not been reported in the Human Gene Mutation Database in association with DYNC1H1-related disorders (Stenson et al., 2014). In silico analysis is inconsistent in its predictions as to whether or not the variant is damaging to the protein structure/function. Therefore, based on the currently available information, it is unclear whether this variant is a pathogenic variant or a rare benign variant.

NM_001376.5(DYNC1H1):c.2155A>G (p.Thr719Ala)

Gene: DYNC1H1 (dynein cytoplasmic 1 heavy chain 1; plus strand). Cytogenetic location: 14q32.31.
Variant type: single nucleotide variant.
Coding change: c.2155A>G on transcript NM_001376.5 (MANE Select); coding-DNA position 2155, A replaced by G.
Protein change: p.Thr719Ala; replaces threonine 719 with alanine.
Molecular consequence: missense variant.
Genome position (GRCh38, 1-based): chr14:101,986,380, A>G. VCF-style: chr14-101986380-A-G. GRCh37 (hg19) VCF-style: chr14-102452717-A-G.
Other names: short protein forms T719A.
Identifiers: ClinVar variation 424232 (VCV000424232.3), dbSNP rs1064796870, ClinGen allele CA16619823.